The following is an entry in ClinVar:

NM_001754.5(RUNX1):c.593A>G (p.Asp198Gly)

Genes: RUNX1 (RUNX family transcription factor 1; minus strand), RUNX1-AS1 (RUNX1 antisense RNA 1; plus strand). Cytogenetic location: 21q22.12.
Variant type: single nucleotide variant.
Coding change: c.593A>G on transcript NM_001754.5 (MANE Select); coding-DNA position 593, A replaced by G.
Protein change: p.Asp198Gly; replaces aspartic acid 198 with glycine.
Molecular consequence: missense variant.
Genome position (GRCh38, 1-based): chr21:34,859,494, T>C on the plus strand (A>G on the coding strand, the complement: RUNX1 is on the minus strand). VCF-style: chr21-34859494-T-C. GRCh37 (hg19) VCF-style: chr21-36231791-T-C.
Other names: NM_001754.5(RUNX1):c.593A>G; p.Asp198Gly; c.512A>G, p.Asp171Gly (NM_001001890.3, NM_001122607.2); short protein forms D171G, D198G.
Identifiers: ClinVar variation 3342374 (VCV003342374.4).

ClinVar aggregate classification (germline): Likely pathogenic. Review status: reviewed by expert panel (3 of 4 stars). 3 submissions from 3 submitters: Likely pathogenic (1). 2 of the submissions do not count toward it. Last evaluated 2026-10-05.

Conditions:
Hereditary thrombocytopenia and hematological cancer predisposition syndrome associated with RUNX1. Also called: PLATELET DISORDER, ASPIRIN-LIKE; Familial Platelet Disorder with Propensity to Acute Myelogenous Leukemia; Familial thrombocytopenia with propensity to acute myelogenous leukemia; RUNX1 Familial Platelet Disorder with Associated Myeloid Malignancies. Identifiers: Orphanet 71290, MedGen C1832388, MeSH C563324, MONDO:0100083, OMIM 601399.
Hereditary thrombocytopenia and hematologic cancer predisposition syndrome. Identifiers: Orphanet 71290, MedGen CN281654, MONDO:0011071.

gnomAD v4.1: 1 of 1,613,872 alleles (0.000062%); highest among the groups gnomAD compares: East Asian, 0.0022%; no homozygotes.

Submissions (3):

ClinGen Myeloid Malignancy Variant Curation Expert Panel
Classification: Likely pathogenic for Hereditary thrombocytopenia and hematologic cancer predisposition syndrome. Last evaluated: 2026-10-05. Review status: reviewed by expert panel. Criteria: ClinGen MyeloMalig ACMG Specifications V3.1. Collection method: curation. Allele origin: germline. Inheritance: Autosomal dominant inheritance.
Comment: NM_001754.5(RUNX1):c.593A>G (p.Asp198Gly) is a missense variant which affects one of the hotspot residues (Asp198) within the RHD (amino acids 89-204; PM1_Strong). This variant is completely absent from all population databases with at least 20x coverage for RUNX1 (PM2_Supporting) and has been reported in one proband meeting at least one of the RUNX1-phenotypic criteria (PS4_Supporting; PMID: 28855357). In summary, this variant meets the criteria to be classified as likely pathogenic. ACMG/AMP criteria applied, as specified by the Myeloid Malignancy Variant Curation Expert Panel for RUNX1: PM1_Strong, PM2_Supporting, PS4_Supporting.

Labcorp Genetics (formerly Invitae), Labcorp
Classification: Uncertain significance for Hereditary thrombocytopenia and hematological cancer predisposition syndrome associated with RUNX1. Last evaluated: 2025-12-22. Review status: criteria provided, single submitter. Criteria: Invitae Variant Classification Sherloc (09022015). Collection method: clinical testing. Allele origin: germline. Not counted in ClinVar's aggregate classification.
Comment: This sequence change replaces aspartic acid, which is acidic and polar, with glycine, which is neutral and non-polar, at codon 198 of the RUNX1 protein (p.Asp198Gly). This variant is not present in population databases (gnomAD no frequency). This missense change has been observed in individual(s) with RUNX1-related conditions (PMID: 22318203, 28855357). This variant is also known as Asp171Gly. ClinVar contains an entry for this variant (Variation ID: 3342374). Invitae Evidence Modeling of protein sequence and biophysical properties (such as structural, functional, and spatial information, amino acid conservation, physicochemical variation, residue mobility, and thermodynamic stability) has been performed for this missense variant. However, the output from this modeling did not meet the statistical confidence thresholds required to predict the impact of this variant on RUNX1 protein function. Experimental studies have shown that this missense change affects RUNX1 function (PMID: 12002768). This variant disrupts the p.Asp198 amino acid residue in RUNX1. Other variant(s) that disrupt this residue have been determined to be pathogenic (PMID: 12393679, 18192504, 19850737, 23471304). This suggests that this residue is clinically significant, and that variants that disrupt this residue are likely to be disease-causing. In summary, the available evidence is currently insufficient to determine the role of this variant in disease. Therefore, it has been classified as a Variant of Uncertain Significance.

GeneDx
Classification: Likely pathogenic. Last evaluated: 2023-12-14. Review status: criteria provided, single submitter. Criteria: GeneDx Variant Classification Process June 2021. Collection method: clinical testing. Allele origin: germline. Affected: yes. Not counted in ClinVar's aggregate classification.
Comment: Observed in individuals with acute myeloid leukemia in published literature; however, it is unclear if the variants were germline or somatic (PMID: 28855357); In silico analysis supports that this missense variant has a deleterious effect on protein structure/function; Not observed at significant frequency in large population cohorts (gnomAD); This variant is associated with the following publications: (PMID: 28855357)

Literature cited by the submitters: PubMed 22318203 (cited by Labcorp Genetics (formerly Invitae), Labcorp); PubMed 28855357 (cited by Labcorp Genetics (formerly Invitae), Labcorp); PubMed 12002768 (cited by Labcorp Genetics (formerly Invitae), Labcorp); PubMed 12393679 (cited by Labcorp Genetics (formerly Invitae), Labcorp); PubMed 18192504 (cited by Labcorp Genetics (formerly Invitae), Labcorp); PubMed 19850737 (cited by Labcorp Genetics (formerly Invitae), Labcorp); PubMed 23471304 (cited by Labcorp Genetics (formerly Invitae), Labcorp).